The following is an entry in ClinVar:

ClinVar aggregate classification (germline): Uncertain significance (1 of 4 stars; one submission).

gnomAD v4.1: 1 of 1,614,106 alleles (0.000062%); highest among the groups gnomAD compares: Non-Finnish European, 0.000085%; no homozygotes.

Submission:

Labcorp Genetics (formerly Invitae), Labcorp
Classification: Uncertain significance. Last evaluated: 2021-09-28. Review status: criteria provided, single submitter. Criteria: Invitae Variant Classification Sherloc (09022015). Collection method: clinical testing. Allele origin: germline.
Comment: This sequence change replaces lysine with arginine at codon 84 of the PDE6A protein (p.Lys84Arg). The lysine residue is moderately conserved and there is a small physicochemical difference between lysine and arginine. This variant is present in population databases (rs771965437, ExAC 0.001%). In summary, the available evidence is currently insufficient to determine the role of this variant in disease. Therefore, it has been classified as a Variant of Uncertain Significance. Algorithms developed to predict the effect of missense changes on protein structure and function output the following: SIFT: "Tolerated"; PolyPhen-2: "Benign"; Align-GVGD: "Class C0". The arginine amino acid residue is found in multiple mammalian species, which suggests that this missense change does not adversely affect protein function. This variant has not been reported in the literature in individuals affected with PDE6A-related conditions.

NM_000440.3(PDE6A):c.251A>G (p.Lys84Arg)

Gene: PDE6A (phosphodiesterase 6A; minus strand). Cytogenetic location: 5q32.
Variant type: single nucleotide variant.
Coding change: c.251A>G on transcript NM_000440.3 (MANE Select); coding-DNA position 251, A replaced by G.
Protein change: p.Lys84Arg; replaces lysine 84 with arginine.
Molecular consequence: missense variant.
Genome position (GRCh38, 1-based): chr5:149,944,423, T>C on the plus strand (A>G on the coding strand, the complement: PDE6A is on the minus strand). VCF-style: chr5-149944423-T-C. GRCh37 (hg19) VCF-style: chr5-149323986-T-C.
Other names: short protein forms K84R.
Identifiers: ClinVar variation 1377279 (VCV001377279.6), dbSNP rs771965437, ClinGen allele CA3505102.